The following is an entry in ClinVar:

ClinVar aggregate classification (germline): Uncertain significance (1 of 4 stars; one submission).

Allele frequency attached by ClinVar (database versions not stated): gnomAD exomes 0.00001; TOPMed 0.00001.
gnomAD v4.1: 7 of 987,132 alleles (0.00071%); highest among the groups gnomAD compares: Non-Finnish European, 0.0006%; no homozygotes.

Submission:

Labcorp Genetics (formerly Invitae), Labcorp
Classification: Uncertain significance. Last evaluated: 2022-08-30. Review status: criteria provided, single submitter. Criteria: Invitae Variant Classification Sherloc (09022015). Collection method: clinical testing. Allele origin: germline.
Comment: This variant has not been reported in the literature in individuals affected with KMT2B-related conditions. This sequence change replaces arginine, which is basic and polar, with cysteine, which is neutral and slightly polar, at codon 19 of the KMT2B protein (p.Arg19Cys). The frequency data for this variant in the population databases is considered unreliable, as metrics indicate insufficient coverage at this position in the gnomAD database. Algorithms developed to predict the effect of missense changes on protein structure and function are either unavailable or do not agree on the potential impact of this missense change (SIFT: "Deleterious"; PolyPhen-2: "Not Available"; Align-GVGD: "Class C0"). In summary, the available evidence is currently insufficient to determine the role of this variant in disease. Therefore, it has been classified as a Variant of Uncertain Significance.

NM_014727.3(KMT2B):c.55C>T (p.Arg19Cys)

Gene: KMT2B (lysine methyltransferase 2B; plus strand). Cytogenetic location: 19q13.12.
Variant type: single nucleotide variant.
Coding change: c.55C>T on transcript NM_014727.3 (MANE Select); coding-DNA position 55, C replaced by T.
Protein change: p.Arg19Cys; replaces arginine 19 with cysteine.
Molecular consequence: missense variant.
Genome position (GRCh38, 1-based): chr19:35,718,073, C>T. VCF-style: chr19-35718073-C-T. GRCh37 (hg19) VCF-style: chr19-36208975-C-T.
Other names: short protein forms R19C.
Identifiers: ClinVar variation 2101048 (VCV002101048.4), dbSNP rs1969022630, ClinGen allele CA405374050.